The following is an entry in ClinVar:

ClinVar aggregate classification (germline): Uncertain significance (1 of 4 stars; one submission).

Conditions:
ALG1-congenital disorder of glycosylation. Also called: ALG1-CDG; CONGENITAL DISORDER OF GLYCOSYLATION, TYPE Ik; CDG Ik. Identifiers: Orphanet 79327, MedGen C2931005, MONDO:0012052, OMIM 608540.

Submission:

Labcorp Genetics (formerly Invitae), Labcorp
Classification: Uncertain significance for ALG1-congenital disorder of glycosylation. Last evaluated: 2021-02-25. Review status: criteria provided, single submitter. Criteria: Invitae Variant Classification Sherloc (09022015). Collection method: clinical testing. Allele origin: germline.
Comment: In summary, the available evidence is currently insufficient to determine the role of this variant in disease. Therefore, it has been classified as a Variant of Uncertain Significance. Advanced modeling of protein sequence and biophysical properties (such as structural, functional, and spatial information, amino acid conservation, physicochemical variation, residue mobility, and thermodynamic stability) performed at Invitae indicates that this missense variant is expected to disrupt ALG1 protein function. This variant has not been reported in the literature in individuals with ALG1-related conditions. This variant is not present in population databases (ExAC no frequency). This sequence change replaces glycine with arginine at codon 165 of the ALG1 protein (p.Gly165Arg). The glycine residue is weakly conserved and there is a moderate physicochemical difference between glycine and arginine.

NM_019109.5(ALG1):c.493G>C (p.Gly165Arg)

Gene: ALG1 (ALG1 chitobiosyldiphosphodolichol beta-mannosyltransferase; plus strand). Cytogenetic location: 16p13.3.
Variant type: single nucleotide variant.
Coding change: c.493G>C on transcript NM_019109.5 (MANE Select); coding-DNA position 493, G replaced by C.
Protein change: p.Gly165Arg; replaces glycine 165 with arginine.
Molecular consequence: missense variant.
Genome position (GRCh38, 1-based): chr16:5,075,490, G>C. VCF-style: chr16-5075490-G-C. GRCh37 (hg19) VCF-style: chr16-5125491-G-C.
Other names: c.160G>C, p.Gly54Arg (NM_001330504.2); short protein forms G165R, G54R.
Identifiers: ClinVar variation 1461741 (VCV001461741.8), dbSNP rs1192356042, ClinGen allele CA394680691.